The following is an entry in ClinVar:

NM_002691.4(POLD1):c.220G>A (p.Ala74Thr)

Gene: POLD1 (DNA polymerase delta 1, catalytic subunit; plus strand). Cytogenetic location: 19q13.33.
Variant type: single nucleotide variant.
Coding change: c.220G>A on transcript NM_002691.4 (MANE Select); coding-DNA position 220, G replaced by A.
Protein change: p.Ala74Thr; replaces alanine 74 with threonine.
Molecular consequence: missense variant. On other transcripts: non-coding transcript variant (1).
Genome position (GRCh38, 1-based): chr19:50,399,388, G>A. VCF-style: chr19-50399388-G-A. GRCh37 (hg19) VCF-style: chr19-50902645-G-A.
Other names: c.220G>A (NM_002691.2); c.220G>A, p.Ala74Thr (NM_001256849.1, NM_001308632.1); short protein forms A74T.
Identifiers: ClinVar variation 2064610 (VCV002064610.5), dbSNP rs2122201835, ClinGen allele CA406970408.

ClinVar aggregate classification (germline): Uncertain significance. Review status: criteria provided, multiple submitters, no conflicts (2 of 4 stars). 2 submissions from 2 submitters: Uncertain significance (2). Last evaluated 2024-12-20.

Conditions:
POLD1-related polyposis and colorectal cancer syndrome (CRCS10). Also called: Colorectal cancer 10; COLORECTAL CANCER, SUSCEPTIBILITY TO, ON CHROMOSOME 19q; Colorectal cancer, susceptibility to, 10. Identifiers: Orphanet 220460, MedGen C2675481, MONDO:0012953, OMIM 612591.
Hereditary cancer-predisposing syndrome. Also called: Tumor predisposition; Neoplastic Syndromes, Hereditary; Hereditary Cancer Syndrome; Hereditary neoplastic syndrome. Identifiers: Orphanet 140162, MedGen C0027672, MeSH D009386, MONDO:0015356.

gnomAD v4.1: 1 of 1,613,968 alleles (0.000062%); highest among the groups gnomAD compares: Non-Finnish European, 0.000085%; no homozygotes.

Submissions (2):

Ambry Genetics
Classification: Uncertain significance for Hereditary cancer-predisposing syndrome. Last evaluated: 2024-12-20. Review status: criteria provided, single submitter. Criteria: Ambry Variant Classification Scheme 2023. Collection method: clinical testing. Allele origin: germline.

Labcorp Genetics (formerly Invitae), Labcorp
Classification: Uncertain significance for POLD1-related polyposis and colorectal cancer syndrome. Last evaluated: 2022-02-03. Review status: criteria provided, single submitter. Criteria: Invitae Variant Classification Sherloc (09022015). Collection method: clinical testing. Allele origin: germline.
Comment: This sequence change replaces alanine, which is neutral and non-polar, with threonine, which is neutral and polar, at codon 74 of the POLD1 protein (p.Ala74Thr). This variant is not present in population databases (gnomAD no frequency). This variant has not been reported in the literature in individuals affected with POLD1-related conditions. Algorithms developed to predict the effect of missense changes on protein structure and function output the following: SIFT: "Tolerated"; PolyPhen-2: "Benign"; Align-GVGD: "Class C0". The threonine amino acid residue is found in multiple mammalian species, which suggests that this missense change does not adversely affect protein function. In summary, the available evidence is currently insufficient to determine the role of this variant in disease. Therefore, it has been classified as a Variant of Uncertain Significance.